The following is an entry in ClinVar:

NM_000329.3(RPE65):c.1359A>T (p.Lys453Asn)

Gene: RPE65 (retinoid isomerohydrolase RPE65; minus strand). Cytogenetic location: 1p31.3.
Variant type: single nucleotide variant.
Coding change: c.1359A>T on transcript NM_000329.3 (MANE Select); coding-DNA position 1359, A replaced by T.
Protein change: p.Lys453Asn; replaces lysine 453 with asparagine.
Molecular consequence: missense variant.
Genome position (GRCh38, 1-based): chr1:68,431,156, T>A on the plus strand (A>T on the coding strand, the complement: RPE65 is on the minus strand). VCF-style: chr1-68431156-T-A. GRCh37 (hg19) VCF-style: chr1-68896839-T-A.
Other names: c.1251A>T, p.Lys417Asn (NM_001406853.1); c.1083A>T, p.Lys361Asn (NM_001406856.1, NM_001406857.1); short protein forms K417N, K361N, K453N.
Identifiers: ClinVar variation 2199039 (VCV002199039.1), dbSNP rs1645823173, ClinGen allele CA340742232.

ClinVar aggregate classification (germline): Uncertain significance (1 of 4 stars; one submission).

Conditions:
Leber congenital amaurosis 2 (LCA2). Also called: Autosomal Recessive RPE65-Related Retinal Degeneration; AMAUROSIS CONGENITA OF LEBER II. Identifiers: Orphanet 65, MedGen C1859844, MONDO:0008765, OMIM 204100. Disease mechanism: loss of function.
Retinitis pigmentosa 20 (RP20). Identifiers: Orphanet 791, MedGen C3151086, MONDO:0013425, OMIM 613794.

gnomAD v4.1: 3 of 1,613,832 alleles (0.00019%); highest among the groups gnomAD compares: South Asian, 0.0033%; no homozygotes.

Submission:

Labcorp Genetics (formerly Invitae), Labcorp
Classification: Uncertain significance for Leber congenital amaurosis 2; Retinitis pigmentosa 20. Last evaluated: 2022-03-10. Review status: criteria provided, single submitter. Criteria: Invitae Variant Classification Sherloc (09022015). Collection method: clinical testing. Allele origin: germline.
Comment: This sequence change replaces lysine, which is basic and polar, with asparagine, which is neutral and polar, at codon 453 of the RPE65 protein (p.Lys453Asn). This variant is not present in population databases (gnomAD no frequency). This variant has not been reported in the literature in individuals affected with RPE65-related conditions. Algorithms developed to predict the effect of missense changes on protein structure and function (SIFT, PolyPhen-2, Align-GVGD) all suggest that this variant is likely to be tolerated. In summary, the available evidence is currently insufficient to determine the role of this variant in disease. Therefore, it has been classified as a Variant of Uncertain Significance.